The following is an entry in ClinVar:

NM_017636.4(TRPM4):c.496G>A (p.Val166Ile)

Gene: TRPM4 (transient receptor potential cation channel subfamily M member 4; plus strand). Cytogenetic location: 19q13.33.
Variant type: single nucleotide variant.
Coding change: c.496G>A on transcript NM_017636.4 (MANE Select); coding-DNA position 496, G replaced by A.
Protein change: p.Val166Ile; replaces valine 166 with isoleucine.
Molecular consequence: missense variant. On other transcripts: 5 prime UTR variant (2), intron variant (2).
Genome position (GRCh38, 1-based): chr19:49,168,307, G>A. VCF-style: chr19-49168307-G-A. GRCh37 (hg19) VCF-style: chr19-49671564-G-A.
Other names: c.496G>A, p.Val166Ile (NM_001195227.2); c.-1058G>A (NM_001321282.2); c.-27G>A (NM_001321283.2); c.268-246G>A (NM_001321281.2); c.-237-246G>A (NM_001321285.2); short protein forms V166I.
Identifiers: ClinVar variation 3811038 (VCV003811038.1).

ClinVar aggregate classification (germline): Uncertain significance (1 of 4 stars; one submission).

Conditions:
Cardiovascular phenotype. Identifiers: MedGen CN230736.

Submission:

Ambry Genetics
Classification: Uncertain significance for Cardiovascular phenotype. Last evaluated: 2024-12-14. Review status: criteria provided, single submitter. Criteria: Ambry Variant Classification Scheme 2023. Collection method: clinical testing. Allele origin: germline.
Comment: The p.V166I variant (also known as c.496G>A), located in coding exon 5 of the TRPM4 gene, results from a G to A substitution at nucleotide position 496. The valine at codon 166 is replaced by isoleucine, an amino acid with highly similar properties. This amino acid position is conserved. In addition, this alteration is predicted to be tolerated by in silico analysis. Based on the available evidence, the clinical significance of this variant remains unclear.